The following is an entry in ClinVar:

NM_000551.4(VHL):c.48G>A (p.Glu16=)

Gene: VHL (von Hippel-Lindau tumor suppressor; plus strand). Cytogenetic location: 3p25.3.
Variant type: single nucleotide variant.
Coding change: c.48G>A on transcript NM_000551.4 (MANE Select); coding-DNA position 48, G replaced by A.
Protein change: p.Glu16=; no amino-acid change (glutamic acid 16 retained).
Molecular consequence: synonymous variant.
Genome position (GRCh38, 1-based): chr3:10,141,895, G>A. VCF-style: chr3-10141895-G-A. GRCh37 (hg19) VCF-style: chr3-10183579-G-A.
Other names: c.48G>A, p.Glu16= (NM_001354723.2, NM_198156.3).
Identifiers: ClinVar variation 385167 (VCV000385167.19), dbSNP rs1057522140, ClinGen allele CA16604416.
Genomic context (GRCh38, chr3:10,141,895, plus strand): 5'-GATCGCGGAGGGAATGCCCCGGAGGGCGGAGAACTGGGACGAGGCCGAGGTAGGCGCGGA[G>A]GAGGCAGGCGTCGAAGAGTACGGCCCTGAAGAAGACGGCGGGGAGGAGTCGGGCGCCGAG-3'
Protein context (NP_000542.1, residues 6-26): ENWDEAEVGA[Glu16=]EAGVEEYGPE

ClinVar aggregate classification (germline): Benign/Likely benign. Review status: criteria provided, multiple submitters, no conflicts (2 of 4 stars). 6 submissions from 6 submitters: Benign (1); Likely benign (5). Last evaluated 2025-10-25.

Conditions:
Chuvash polycythemia. Also called: POLYCYTHEMIA, VHL-DEPENDENT. Identifiers: Orphanet 238557, MedGen C1837915, MONDO:0009892, OMIM 263400.
Von Hippel-Lindau syndrome (VHLS). Also called: Von Hippel-Lindau; VHL syndrome; von Hippel–Lindau syndrome. Identifiers: Orphanet 892, MedGen C0019562, MONDO:0008667, OMIM 193300. Disease mechanism: loss of function.
Hereditary cancer-predisposing syndrome. Also called: Neoplastic Syndromes, Hereditary; Hereditary neoplastic syndrome; Tumor predisposition; Hereditary Cancer Syndrome. Identifiers: Orphanet 140162, MedGen C0027672, MeSH D009386, MONDO:0015356.

Allele frequency attached by ClinVar (database versions not stated): TOPMed below 0.00001; gnomAD 0.00001 and 0.00002; gnomAD exomes 0.00001; 1000 Genomes Project 30x 0.00062.
gnomAD v4.1: 8 of 1,532,586 alleles (0.00052%); highest among the groups gnomAD compares: Admixed American, 0.014%; 1 homozygote.

Submissions (6):

Labcorp Genetics (formerly Invitae), Labcorp
Classification: Likely benign for Von Hippel-Lindau syndrome; Chuvash polycythemia. Last evaluated: 2025-10-25. Review status: criteria provided, single submitter. Criteria: Invitae Variant Classification Sherloc (09022015). Collection method: clinical testing. Allele origin: germline.

Myriad Genetics, Inc.
Classification: Benign for Von Hippel-Lindau syndrome. Last evaluated: 2025-06-10. Review status: criteria provided, single submitter. Criteria: Myriad Autosomal Dominant, Autosomal Recessive and X-Linked Classification Criteria (2023). Collection method: clinical testing. Allele origin: unknown.
Comment: This variant is considered benign. This variant is a silent/synonymous amino acid change and it is not expected to impact splicing.

All of Us Research Program, National Institutes of Health
Classification: Likely benign for Von Hippel-Lindau syndrome. Last evaluated: 2023-11-20. Review status: criteria provided, single submitter. Criteria: ACMG Guidelines, 2015. Collection method: clinical testing. Allele origin: germline. Inheritance: Autosomal dominant inheritance. Observed: 2 variant alleles, 2 heterozygotes.
Comment: This study involves interpretation of variants in research participants for the purpose of population health screening. Participant phenotype was not available at the time of variant classification. Additional details can be found in publication PMID: 35346344, PMCID: PMC8962531

Sema4
Classification: Likely benign for Hereditary cancer-predisposing syndrome. Last evaluated: 2021-08-23. Review status: criteria provided, single submitter. Criteria: Sema4 Curation Guidelines. Collection method: curation. Allele origin: germline.

Ambry Genetics
Classification: Likely benign for Hereditary cancer-predisposing syndrome. Last evaluated: 2019-04-30. Review status: criteria provided, single submitter. Criteria: Ambry Variant Classification Scheme 2023. Collection method: clinical testing. Allele origin: germline.

GeneDx
Classification: Likely benign. Last evaluated: 2016-03-28. Review status: criteria provided, single submitter. Criteria: GeneDx Variant Classification (06012015). Collection method: clinical testing. Allele origin: germline. Affected: yes.
Comment: This variant is considered likely benign or benign based on one or more of the following criteria: it is a conservative change, it occurs at a poorly conserved position in the protein, it is predicted to be benign by multiple in silico algorithms, and/or has population frequency not consistent with disease.